The following is an entry in ClinVar:

ClinVar aggregate classification (germline): Uncertain significance (1 of 4 stars; one submission).

Submission:

Labcorp Genetics (formerly Invitae), Labcorp
Classification: Uncertain significance. Last evaluated: 2023-07-07. Review status: criteria provided, single submitter. Criteria: Invitae Variant Classification Sherloc (09022015). Collection method: clinical testing. Allele origin: germline.
Comment: This variant has not been reported in the literature in individuals affected with NEXMIF-related conditions. In summary, the available evidence is currently insufficient to determine the role of this variant in disease. Therefore, it has been classified as a Variant of Uncertain Significance. Algorithms developed to predict the effect of missense changes on protein structure and function output the following: SIFT: "Not Available"; PolyPhen-2: "Benign"; Align-GVGD: "Not Available". The valine amino acid residue is found in multiple mammalian species, which suggests that this missense change does not adversely affect protein function. This variant is not present in population databases (gnomAD no frequency). This sequence change replaces isoleucine, which is neutral and non-polar, with valine, which is neutral and non-polar, at codon 644 of the NEXMIF protein (p.Ile644Val).

NM_001008537.3(NEXMIF):c.1930A>G (p.Ile644Val)

Gene: NEXMIF (neurite extension and migration factor; minus strand). Cytogenetic location: Xq13.3.
Variant type: single nucleotide variant.
Coding change: c.1930A>G on transcript NM_001008537.3 (MANE Select); coding-DNA position 1930, A replaced by G.
Protein change: p.Ile644Val; replaces isoleucine 644 with valine.
Molecular consequence: missense variant.
Genome position (GRCh38, 1-based): chrX:74,742,627, T>C on the plus strand (A>G on the coding strand, the complement: NEXMIF is on the minus strand). VCF-style: chrX-74742627-T-C. GRCh37 (hg19) VCF-style: chrX-73962462-T-C.
Other names: short protein forms I644V.
Identifiers: ClinVar variation 2856407 (VCV002856407.3), dbSNP rs2519914740, ClinGen allele CA413669373.